The following is an entry in ClinVar:

ClinVar aggregate classification (germline): Uncertain significance (1 of 4 stars; one submission).

Conditions:
Inborn genetic diseases. Identifiers: MedGen C0950123, MeSH D030342.

gnomAD v4.1: 1 of 1,611,008 alleles (0.000062%); highest among the groups gnomAD compares: East Asian, 0.0022%; no homozygotes.

Submission:

Ambry Genetics
Classification: Uncertain significance for Inborn genetic diseases. Last evaluated: 2026-02-23. Review status: criteria provided, single submitter. Criteria: Ambry Variant Classification Scheme 2023. Collection method: clinical testing. Allele origin: germline.
Comment: The c.1634C>T (p.S545F) alteration is located in exon 14 (coding exon 14) of the AIRE gene. This alteration results from a C to T substitution at nucleotide position 1634, causing the serine (S) at amino acid position 545 to be replaced by a phenylalanine (F). Based on data from gnomAD, the T allele has an overall frequency of <0.001% (1/249182) total alleles studied. The highest observed frequency was 0.005% (1/18354) of East Asian alleles. Based on insufficient or conflicting evidence, the clinical significance of this alteration remains unclear.

NM_000383.4(AIRE):c.1634C>T (p.Ser545Phe)

Gene: AIRE (autoimmune regulator; plus strand). Cytogenetic location: 21q22.3.
Variant type: single nucleotide variant.
Coding change: c.1634C>T on transcript NM_000383.4 (MANE Select); coding-DNA position 1634, C replaced by T.
Protein change: p.Ser545Phe; replaces serine 545 with phenylalanine.
Molecular consequence: missense variant.
Genome position (GRCh38, 1-based): chr21:44,297,723, C>T. VCF-style: chr21-44297723-C-T. GRCh37 (hg19) VCF-style: chr21-45717606-C-T.
Other names: short protein forms S545F.
Identifiers: ClinVar variation 4840263 (VCV004840263.1).
Genomic context (GRCh38, chr21:44,297,723, plus strand): 5'-TCGATGGCATCCTGCAGTGGGCCATCCAGAGCATGGCCCGTCCGGCGGCCCCCTTCCCCT[C>T]CTGACCCCAGATGGCCGGGACATGCAGCTCTGATGAGAGAGTGCTGAGAAGGACACCTCC-3'
Protein context (NP_000374.1, residues 535-545): SMARPAAPFP[Ser545Phe]